The following is an entry in ClinVar:

NM_000128.4(F11):c.595+6_595+41del

Gene: F11 (coagulation factor XI; plus strand). Cytogenetic location: 4q35.2.
Variant type: Deletion.
Coding change: c.595+6_595+41del on transcript NM_000128.4 (MANE Select); bases 6 to 41 of the intron after coding-DNA position 595, 36 bases deleted.
Molecular consequence: intron variant.
Genome position (GRCh38, 1-based): chr4:186,275,902-186,275,937, 36 bases deleted; deleting any 36 consecutive bases within chr4:186,275,899-186,275,937 gives the same sequence; the c. name uses the placement nearest the transcript's 3' end. GRCh37 (hg19): chr4:187,197,056-187,197,091.
Other names: c.595+6_595+41del (NM_001440593.1, NM_001440590.1, NM_001440596.1); c.485+1627_485+1662del (NM_001440605.1, NM_001440607.1, NM_001440606.1 and 1 more transcripts).
Identifiers: ClinVar variation 4993753 (VCV004993753.1).
Genomic context (GRCh38, chr4:186,275,898, plus strand): 5'-GAAGCTCGATAAAGTGGTGTCTGGATTTTCACTGAAATCCTGTGCACTTTCTAATCTGGG[TAATTATCGACTTCTTGATGATGTAATTCAACCATTA>T]AATATGCTGATGATTACAGTAGATCTCACTCAGGATACCAGCTTATGCTCACGATGAAAC-3'

ClinVar aggregate classification (germline): Uncertain significance (1 of 4 stars; one submission).

Conditions:
F11-related disorder. Also called: F11-related condition.

Submission:

PreventionGenetics, part of Exact Sciences
Classification: Uncertain significance for F11-related condition. Last evaluated: 2026-03-20. Review status: criteria provided, single submitter. Criteria: ACMG Guidelines, 2015. Collection method: clinical testing. Allele origin: germline.
Comment: The F11 c.595+6_595+41del36 variant is predicted to result in an intronic deletion. To our knowledge, this variant has not been reported in the literature. This variant is predicted to alter splicing based on available splicing prediction programs (SpliceAI, Jaganathan et al. 2019. PubMed ID: 30661751). However, the use of computer prediction programs is not equivalent to functional evidence. This variant is reported in 0.0029% of alleles in individuals of Latino descent in gnomAD. At this time, the clinical significance of this variant is uncertain due to the absence of conclusive functional and genetic evidence.